The following is an entry in ClinVar:

NM_002161.6(IARS1):c.2153C>T (p.Thr718Ile)

Gene: IARS1 (isoleucyl-tRNA synthetase 1; minus strand). Cytogenetic location: 9q22.31.
Variant type: single nucleotide variant.
Coding change: c.2153C>T on transcript NM_002161.6 (MANE Select); coding-DNA position 2153, C replaced by T.
Protein change: p.Thr718Ile; replaces threonine 718 with isoleucine.
Molecular consequence: missense variant. On other transcripts: non-coding transcript variant (1), intron variant (1).
Genome position (GRCh38, 1-based): chr9:92,253,438, G>A on the plus strand (C>T on the coding strand, the complement: IARS1 is on the minus strand). VCF-style: chr9-92253438-G-A. GRCh37 (hg19) VCF-style: chr9-95015720-G-A.
Other names: c.2153C>T, p.Thr718Ile (NM_001374299.1, NM_001374300.1, NM_001378572.1 and 12 more transcripts); c.2069C>T, p.Thr690Ile (NM_001374301.1); c.2216C>T, p.Thr739Ile (NM_001378569.1); c.2174C>T, p.Thr725Ile (NM_001378571.1); c.2030C>T, p.Thr677Ile (NM_001378583.1); c.2134-1553C>T (NM_001378582.1); short protein forms T718I, T690I, T739I, T725I, T677I.
Identifiers: ClinVar variation 2116868 (VCV002116868.2), dbSNP rs147703118, ClinGen allele CA5122335.
Genomic context (GRCh38, chr9:92,253,438, plus strand): 5'-TTCATTCTAACATACCAATTGGTCAGAATATCTACAAACTTGACCAGGCGAGGCACCACA[G>A]TATAAAGCCTATAAGCTAAAAGTAAGACAAGTCAATCAGGCAGCAAGTGGGTTACCAGGC-3'
Protein context (NP_002152.2, residues 708-728): ETEMAAYRLY[Thr718Ile]VVPRLVKFVD

ClinVar aggregate classification (germline): Uncertain significance (1 of 4 stars; one submission).

gnomAD v4.1: 24 of 1,612,436 alleles (0.0015%); highest among the groups gnomAD compares: Non-Finnish European, 0.002%; no homozygotes.

Submission:

Labcorp Genetics (formerly Invitae), Labcorp
Classification: Uncertain significance. Last evaluated: 2023-08-17. Review status: criteria provided, single submitter. Criteria: Invitae Variant Classification Sherloc (09022015). Collection method: clinical testing. Allele origin: germline.
Comment: In summary, the available evidence is currently insufficient to determine the role of this variant in disease. Therefore, it has been classified as a Variant of Uncertain Significance. An algorithm developed to predict the effect of missense changes on protein structure and function (PolyPhen-2) suggests that this variant is likely to be disruptive. ClinVar contains an entry for this variant (Variation ID: 2116868). This variant has not been reported in the literature in individuals affected with IARS-related conditions. This variant is present in population databases (rs147703118, gnomAD 0.004%). This sequence change replaces threonine, which is neutral and polar, with isoleucine, which is neutral and non-polar, at codon 718 of the IARS protein (p.Thr718Ile).